The following is an entry in ClinVar:

ClinVar aggregate classification (germline): Likely benign. Review status: criteria provided, single submitter (1 of 4 stars). 2 submissions from 2 submitters: Likely benign (1). 1 of the submissions does not count toward it. Last evaluated 2025-11-10.

Conditions:
TFRC-related disorder. Also called: TFRC-related condition.

gnomAD v4.1: 23 of 1,614,024 alleles (0.0014%); highest among the groups gnomAD compares: Admixed American, 0.038%; 1 homozygote.

Submissions (2):

Labcorp Genetics (formerly Invitae), Labcorp
Classification: Likely benign. Last evaluated: 2025-11-10. Review status: criteria provided, single submitter. Criteria: Invitae Variant Classification Sherloc (09022015). Collection method: clinical testing. Allele origin: germline.

PreventionGenetics, part of Exact Sciences
Classification: Likely benign for TFRC-related condition. Last evaluated: 2020-05-11. Review status: no assertion criteria provided. Collection method: clinical testing. Allele origin: germline. Not counted in ClinVar's aggregate classification.
Comment: This variant is classified as likely benign based on ACMG/AMP sequence variant interpretation guidelines (Richards et al. 2015 PMID: 25741868, with internal and published modifications).

NM_001128148.3(TFRC):c.2064C>G (p.Pro688=)

Gene: TFRC (transferrin receptor; minus strand). Cytogenetic location: 3q29.
Variant type: single nucleotide variant.
Coding change: c.2064C>G on transcript NM_001128148.3 (MANE Select); coding-DNA position 2064, C replaced by G.
Protein change: p.Pro688=; no amino-acid change (proline 688 retained).
Molecular consequence: synonymous variant.
Genome position (GRCh38, 1-based): chr3:196,052,161, G>C on the plus strand (C>G on the coding strand, the complement: TFRC is on the minus strand). VCF-style: chr3-196052161-G-C. GRCh37 (hg19) VCF-style: chr3-195779032-G-C.
Other names: c.2064C>G (NM_003234.3); c.1821C>G, p.Pro607= (NM_001313965.2); c.1218C>G, p.Pro406= (NM_001313966.2); c.2064C>G, p.Pro688= (NM_003234.4).
Identifiers: ClinVar variation 2419275 (VCV002419275.9), dbSNP rs762292110, ClinGen allele CA2777714.